The following is an entry in ClinVar:

NM_001375462.1(LPP):c.808G>A (p.Gly270Ser)

Gene: LPP (LIM domain containing preferred translocation partner in lipoma; plus strand). Cytogenetic location: 3q28.
Variant type: single nucleotide variant.
Coding change: c.808G>A on transcript NM_001375462.1 (MANE Select); coding-DNA position 808, G replaced by A.
Protein change: p.Gly270Ser; replaces glycine 270 with serine.
Molecular consequence: missense variant. On other transcripts: non-coding transcript variant (1), intron variant (1).
Genome position (GRCh38, 1-based): chr3:188,609,539, G>A. VCF-style: chr3-188609539-G-A. GRCh37 (hg19) VCF-style: chr3-188327327-G-A.
Other names: c.808G>A, p.Gly270Ser (NM_001167671.3, NM_001375455.1, NM_001375456.1 and 28 more transcripts); c.319G>A, p.Gly107Ser (NM_001387675.1, NM_001387676.1); c.672+136G>A (NM_001167672.3); c.808G>A (NM_005578.3); short protein forms G107S, G270S.
Identifiers: ClinVar variation 1050488 (VCV001050488.4), dbSNP rs1275870991, ClinGen allele CA355854151.

ClinVar aggregate classification (germline): Uncertain significance. Review status: criteria provided, single submitter (1 of 4 stars). 2 submissions from 2 submitters: Uncertain significance (1). 1 of the submissions does not count toward it. Last evaluated 2022-12-21.

Allele frequency attached by ClinVar (database versions not stated): gnomAD exomes below 0.00001 and 0.00001.
gnomAD v4.1: 6 of 1,614,166 alleles (0.00037%); highest among the groups gnomAD compares: Non-Finnish European, 0.00042%; no homozygotes.

Submissions (2):

Ambry Genetics
Classification: Uncertain significance. Last evaluated: 2022-12-21. Review status: criteria provided, single submitter. Criteria: Ambry Variant Classification Scheme 2023. Collection method: clinical testing. Allele origin: germline.

Department of Pathology and Laboratory Medicine, Sinai Health System
Classification: Uncertain significance. Review status: no assertion criteria provided. Collection method: clinical testing. Allele origin: unknown. Affected: yes. Study: The Canadian Open Genetics Repository (COGR). Not counted in ClinVar's aggregate classification.
Comment: The LPP p.Gly270Ser variant was not identified in the literature nor was it identified in ClinVar or LOVD 3.0. The variant was identified in dbSNP (ID: rs1275870991) and in control databases in 3 of 250808 chromosomes at a frequency of 0.00001196 (Genome Aggregation Database March 6, 2019, v2.1.1). The variant was observed in the European (non-Finnish) population in 3 of 113176 chromosomes (freq: 0.000027), but was not observed in the African, Latino, Ashkenazi Jewish, East Asian, European (Finnish), Other, or South Asian populations. The p.Gly270 residue is conserved in mammals but not in more distantly related organisms however computational analyses (PolyPhen-2, SIFT, AlignGVGD, BLOSUM, MutationTaster) do not suggest a high likelihood of impact to the protein; this information is not predictive enough to rule out pathogenicity. The variant occurs outside of the splicing consensus sequence and 1 of 4 in silico or computational prediction software programs (SpliceSiteFinder, MaxEntScan, NNSPLICE, GeneSplicer) predict a greater than 10% difference in splicing; this is not very predictive of pathogenicity. In summary, based on the above information the clinical significance of this variant cannot be determined with certainty at this time. This variant is classified as a variant of uncertain significance.